The following is an entry in ClinVar:

NM_003850.3(SUCLA2):c.1036del (p.Asp347fs)

Gene: SUCLA2 (succinate-CoA ligase ADP-forming subunit beta; minus strand). Cytogenetic location: 13q14.2.
Variant type: Deletion.
Coding change: c.1036del on transcript NM_003850.3 (MANE Select); coding-DNA position 1036, one base deleted (C; older notation c.1036delC).
Protein change: p.Asp347fs; shifts the reading frame from aspartic acid 347.
Molecular consequence: frameshift variant.
Genome position (GRCh38, 1-based): chr13:47,954,211, G deleted on the plus strand (C on the coding strand, the reverse complement: SUCLA2 is on the minus strand); the first of 2 consecutive G bases (chr13:47,954,211-47,954,212); deleting either gives the same sequence. VCF-style (leftmost placement, unchanged base first): chr13-47954210-AG-A. GRCh37 (hg19) VCF-style: chr13-48528345-AG-A.
Other names: short protein forms D347fs.
Identifiers: ClinVar variation 4865234 (VCV004865234.1).
Genomic context (GRCh38, chr13:47,954,210, plus strand): 5'-GAAGTGATAAGCTTAAATGCTTCTGTTACTTGATGGACTGTAGCACCACCACCAACATCA[AG>A]GAAGTTGGCTGGAGTCCCTCCATGAAGTTTTATTATATCCATTGTGGCCATAGCCAAACC-3'

ClinVar aggregate classification (germline): Pathogenic (1 of 4 stars; one submission).

Conditions:
Inborn genetic diseases. Identifiers: MedGen C0950123, MeSH D030342.

Submission:

Ambry Genetics
Classification: Pathogenic for Inborn genetic diseases. Last evaluated: 2026-05-11. Review status: criteria provided, single submitter. Criteria: Ambry Variant Classification Scheme 2023. Collection method: clinical testing. Allele origin: germline.
Comment: The c.1036delC alteration, located in exon 8 (coding exon 8) of the SUCLA2 gene, consists of a deletion of one nucleotide at position 1036, causing a translational frameshift with a predicted alternate stop codon after amino acids. This variant is expected to result in loss of function by premature protein truncation or nonsense-mediated mRNA decay. This variant was not reported in population-based cohorts in the Genome Aggregation Database (gnomAD). Based on the available evidence, this alteration is classified as pathogenic.